The following is an entry in ClinVar:

ClinVar aggregate classification (germline): Uncertain significance. Review status: criteria provided, multiple submitters, no conflicts (2 of 4 stars). 2 submissions from 2 submitters: Uncertain significance (2). Last evaluated 2025-09-22.

Conditions:
Primary ciliary dyskinesia. Also called: Ciliary dyskinesia. Identifiers: Orphanet 244, MedGen C0008780, MONDO:0016575, HP:0012265.

gnomAD v4.1: 19 of 1,316,436 alleles (0.0014%); highest among the groups gnomAD compares: South Asian, 0.002%; no homozygotes.

Submissions (2):

Ambry Genetics
Classification: Uncertain significance for Primary ciliary dyskinesia. Last evaluated: 2025-09-22. Review status: criteria provided, single submitter. Criteria: Ambry Variant Classification Scheme 2023. Collection method: clinical testing. Allele origin: germline.

Labcorp Genetics (formerly Invitae), Labcorp
Classification: Uncertain significance for Primary ciliary dyskinesia. Last evaluated: 2025-06-09. Review status: criteria provided, single submitter. Criteria: Invitae Variant Classification Sherloc (09022015). Collection method: clinical testing. Allele origin: germline.
Comment: This sequence change replaces arginine, which is basic and polar, with leucine, which is neutral and non-polar, at codon 48 of the DNAAF5 protein (p.Arg48Leu). This variant is present in population databases (no rsID available, gnomAD 0.01%). This variant has not been reported in the literature in individuals affected with DNAAF5-related conditions. Invitae Evidence Modeling of protein sequence and biophysical properties (such as structural, functional, and spatial information, amino acid conservation, physicochemical variation, residue mobility, and thermodynamic stability) indicates that this missense variant is expected to disrupt DNAAF5 protein function with a positive predictive value of 80%. In summary, the available evidence is currently insufficient to determine the role of this variant in disease. Therefore, it has been classified as a Variant of Uncertain Significance.

NM_017802.4(DNAAF5):c.143G>T (p.Arg48Leu)

Genes: DNAAF5 (dynein axonemal assembly factor 5; plus strand), PRKAR1B (protein kinase cAMP-dependent type I regulatory subunit beta; minus strand), LOC129997730 (ATAC-STARR-seq lymphoblastoid silent region 17816; plus strand). Cytogenetic location: 7p22.3.
Variant type: single nucleotide variant.
Coding change: c.143G>T on transcript NM_017802.4 (MANE Select); coding-DNA position 143, G replaced by T.
Protein change: p.Arg48Leu; replaces arginine 48 with leucine.
Molecular consequence: missense variant. On other transcripts: non-coding transcript variant (1), intron variant (3).
Genome position (GRCh38, 1-based): chr7:726,863, G>T. VCF-style: chr7-726863-G-T. GRCh37 (hg19) VCF-style: chr7-766500-G-T.
Other names: c.-23+792C>A (NM_001164759.1); c.-23+727C>A (NM_001164758.2); c.-23+347C>A (NM_001164760.2); short protein forms R48L.
Identifiers: ClinVar variation 4565388 (VCV004565388.2).
Genomic context (GRCh38, chr7:726,863, plus strand): 5'-GCCGCGCCCTGAGCCGCCTGCTGCCGGGGCTGGAGGCCGACAGCAAGCCGGGCCGGCGGC[G>T]CGCCTTGGAGGCCCTGCGGCGCGCGCTGGAGGAGCCAGGCCCTGCCGCCGACCCCACCGC-3'
Protein context (NP_060272.3, residues 38-58): LEADSKPGRR[Arg48Leu]ALEALRRALE